The following is an entry in ClinVar:

ClinVar aggregate classification (germline): Likely benign. Review status: criteria provided, single submitter (1 of 4 stars). 2 submissions from 2 submitters: Likely benign (1). 1 of the submissions does not count toward it. Last evaluated 2024-11-05.

Conditions:
PIEZO1-related disorder. Also called: PIEZO1-Related Disorders; PIEZO1-related condition.

gnomAD v4.1: 42 of 1,396,288 alleles (0.003%); highest among the groups gnomAD compares: East Asian, 0.12%; no homozygotes.

Submissions (2):

Labcorp Genetics (formerly Invitae), Labcorp
Classification: Likely benign. Last evaluated: 2024-11-05. Review status: criteria provided, single submitter. Criteria: Invitae Variant Classification Sherloc (09022015). Collection method: clinical testing. Allele origin: germline.

PreventionGenetics, part of Exact Sciences
Classification: Likely benign for PIEZO1-related condition. Last evaluated: 2021-04-29. Review status: no assertion criteria provided. Collection method: clinical testing. Allele origin: germline. Not counted in ClinVar's aggregate classification.
Comment: This variant is classified as likely benign based on ACMG/AMP sequence variant interpretation guidelines (Richards et al. 2015 PMID: 25741868, with internal and published modifications).

NM_001142864.4(PIEZO1):c.24G>C (p.Ala8=)

Gene: PIEZO1 (piezo type mechanosensitive ion channel component 1 (Er blood group); minus strand). Cytogenetic location: 16q24.3.
Variant type: single nucleotide variant.
Coding change: c.24G>C on transcript NM_001142864.4 (MANE Select); coding-DNA position 24, G replaced by C.
Protein change: p.Ala8=; no amino-acid change (alanine 8 retained).
Molecular consequence: synonymous variant.
Genome position (GRCh38, 1-based): chr16:88,784,941, C>G on the plus strand (G>C on the coding strand, the complement: PIEZO1 is on the minus strand). VCF-style: chr16-88784941-C-G. GRCh37 (hg19) VCF-style: chr16-88851349-C-G.
Identifiers: ClinVar variation 3032628 (VCV003032628.4), dbSNP rs1297469904, ClinGen allele CA497072346.